The following is an entry in ClinVar:

NM_015662.3(IFT172):c.3628G>A (p.Ala1210Thr)

Genes: IFT172 (intraflagellar transport 172; minus strand), LOC126806173 (BRD4-independent group 4 enhancer GRCh37_chr2:27676057-27677256; plus strand). Cytogenetic location: 2p23.3.
Variant type: single nucleotide variant.
Coding change: c.3628G>A on transcript NM_015662.3 (MANE Select); coding-DNA position 3628, G replaced by A.
Protein change: p.Ala1210Thr; replaces alanine 1210 with threonine.
Molecular consequence: missense variant.
Genome position (GRCh38, 1-based): chr2:27,454,065, C>T on the plus strand (G>A on the coding strand, the complement: IFT172 is on the minus strand). VCF-style: chr2-27454065-C-T. GRCh37 (hg19) VCF-style: chr2-27676932-C-T.
Other names: c.3562G>A, p.Ala1188Thr (NM_001410739.1); c.3628G>A (NM_015662.2); short protein forms A1188T, A1210T.
Identifiers: ClinVar variation 4954317 (VCV004954317.2).

ClinVar aggregate classification (germline): Uncertain significance. Review status: criteria provided, multiple submitters, no conflicts (2 of 4 stars). 2 submissions from 2 submitters: Uncertain significance (2). Last evaluated 2026-06-22.

Conditions:
IFT172-related disorder. Also called: IFT172-related condition; IFT172-related disorders.

gnomAD v4.1: 3 of 1,613,904 alleles (0.00019%); highest among the groups gnomAD compares: African/African-American, 0.0013%; no homozygotes.

Submissions (2):

PreventionGenetics, part of Exact Sciences
Classification: Uncertain significance for IFT172-related condition. Last evaluated: 2026-06-22. Review status: criteria provided, single submitter. Criteria: ACMG Guidelines, 2015. Collection method: clinical testing. Allele origin: germline.
Comment: The IFT172 c.3628G>A variant is predicted to result in the amino acid substitution p.Ala1210Thr. To our knowledge, this variant has not been reported in the literature. This variant is reported in 0.0063% of alleles in individuals of African descent in gnomAD. At this time, the clinical significance of this variant is uncertain due to the absence of conclusive functional and genetic evidence.

Blueprint Genetics
Classification: Uncertain significance. Last evaluated: 2019-08-16. Review status: criteria provided, single submitter. Criteria: ACMG Guidelines, 2015. Collection method: clinical testing. Allele origin: germline.